The following is an entry in ClinVar:

NM_000046.5(ARSB):c.1142+1G>T

Gene: ARSB (arylsulfatase B; minus strand). Cytogenetic location: 5q14.1.
Variant type: single nucleotide variant.
Coding change: c.1142+1G>T on transcript NM_000046.5 (MANE Select); the canonical splice donor site of the intron after coding-DNA position 1142, G replaced by T.
Molecular consequence: splice donor variant.
Genome position (GRCh38, 1-based): chr5:78,885,583, C>A on the plus strand (G>T on the coding strand, the complement: ARSB is on the minus strand). VCF-style: chr5-78885583-C-A. GRCh37 (hg19) VCF-style: chr5-78181406-C-A.
Other names: c.1142+1G>T (NM_198709.3).
Identifiers: ClinVar variation 559678 (VCV000559678.3), dbSNP rs746396210, ClinGen allele CA360342687.
Genomic context (GRCh38, chr5:78,885,583, plus strand): 5'-ATGGAGTCAGGCTGCTCTTGGAGTTTCTGTCCTGGGAGGAAAAAGGGCAGGGTGTAGGTA[C>A]CTGATGGTTTTCCACACGTCGAAGCCATCCAGAGGCTTTGTGCCATTGGTGTGTCCCCTG-3'

ClinVar aggregate classification (germline): Pathogenic. Review status: criteria provided, multiple submitters, no conflicts (2 of 4 stars). 2 submissions from 2 submitters: Pathogenic (2). Last evaluated 2023-11-09.

Conditions:
Mucopolysaccharidosis type 6 (MPS6). Also called: N-ACETYLGALACTOSAMINE-4-SULFATASE DEFICIENCY; MPS VI; MPS 6; Maroteaux Lamy syndrome; ARSB DEFICIENCY; ARYLSULFATASE B DEFICIENCY. Identifiers: Orphanet 583, MedGen C0026709, MONDO:0009661, OMIM 253200.

Submissions (2):

Baylor Genetics
Classification: Pathogenic for Mucopolysaccharidosis type 6. Last evaluated: 2023-11-09. Review status: criteria provided, single submitter. Criteria: ACMG Guidelines, 2015. Collection method: clinical testing. Allele origin: unknown.

Laboratory of Diagnosis and Therapy of Lysosomal Disorders, University of Padova
Classification: Pathogenic for Mucopolysaccharidosis type 6. Last evaluated: 2018-01-01. Review status: criteria provided, single submitter. Criteria: ACMG Guidelines, 2015. Collection method: curation. Allele origin: germline. Affected: yes.
Comment: Splicing variant in canonical site (PVS1); In vitro functional studies supportive of a damaging effect on the gene product (low to no ARSB activity in homozygotes; PS3)

Literature cited by the submitters: PubMed 17458871 (cited by Laboratory of Diagnosis and Therapy of Lysosomal Disorders, University of Padova); PubMed 30118150 (cited by Laboratory of Diagnosis and Therapy of Lysosomal Disorders, University of Padova).